The following is an entry in ClinVar:

NM_001349253.2(SCN11A):c.4178C>A (p.Ala1393Asp)

Gene: SCN11A (sodium voltage-gated channel alpha subunit 11; minus strand). Cytogenetic location: 3p22.2.
Variant type: single nucleotide variant.
Coding change: c.4178C>A on transcript NM_001349253.2 (MANE Select); coding-DNA position 4178, C replaced by A.
Protein change: p.Ala1393Asp; replaces alanine 1393 with aspartic acid.
Molecular consequence: missense variant.
Genome position (GRCh38, 1-based): chr3:38,850,630, G>T on the plus strand (C>A on the coding strand, the complement: SCN11A is on the minus strand). VCF-style: chr3-38850630-G-T. GRCh37 (hg19) VCF-style: chr3-38892121-G-T.
Other names: c.4178C>A, p.Ala1393Asp (NM_014139.3); short protein forms A1393D.
Identifiers: ClinVar variation 580097 (VCV000580097.6), dbSNP rs1559485324, ClinGen allele CA352165556.

ClinVar aggregate classification (germline): Uncertain significance. Review status: criteria provided, multiple submitters, no conflicts (2 of 4 stars). 2 submissions from 2 submitters: Uncertain significance (2). Last evaluated 2025-05-05.

Conditions:
Hereditary sensory and autonomic neuropathy type 7. Also called: HSAN VII; Neuropathy, hereditary sensory and autonomic, type VII. Identifiers: Orphanet 391397, MedGen C3809882, MONDO:0014244, OMIM 615548.
Familial episodic pain syndrome with predominantly lower limb involvement. Also called: Episodic pain syndrome, familial, 3. Identifiers: Orphanet 391384, Orphanet 391392, MedGen C3809899, MONDO:0014247, OMIM 615552.
Inborn genetic diseases. Identifiers: MedGen C0950123, MeSH D030342.

Allele frequency attached by ClinVar (database versions not stated): gnomAD exomes below 0.00001; gnomAD 0.00001; TOPMed 0.00001.
gnomAD v4.1: 6 of 1,613,850 alleles (0.00037%); highest among the groups gnomAD compares: Non-Finnish European, 0.00051%; no homozygotes.

Submissions (2):

Labcorp Genetics (formerly Invitae), Labcorp
Classification: Uncertain significance for Familial episodic pain syndrome with predominantly lower limb involvement; Hereditary sensory and autonomic neuropathy type 7. Last evaluated: 2025-05-05. Review status: criteria provided, single submitter. Criteria: Invitae Variant Classification Sherloc (09022015). Collection method: clinical testing. Allele origin: germline.
Comment: This sequence change replaces alanine, which is neutral and non-polar, with aspartic acid, which is acidic and polar, at codon 1393 of the SCN11A protein (p.Ala1393Asp). This variant is not present in population databases (gnomAD no frequency). This variant has not been reported in the literature in individuals affected with SCN11A-related conditions. ClinVar contains an entry for this variant (Variation ID: 580097). Invitae Evidence Modeling of protein sequence and biophysical properties (such as structural, functional, and spatial information, amino acid conservation, physicochemical variation, residue mobility, and thermodynamic stability) indicates that this missense variant is not expected to disrupt SCN11A protein function with a negative predictive value of 80%. In summary, the available evidence is currently insufficient to determine the role of this variant in disease. Therefore, it has been classified as a Variant of Uncertain Significance.

Ambry Genetics
Classification: Uncertain significance for Inborn genetic diseases. Last evaluated: 2025-02-08. Review status: criteria provided, single submitter. Criteria: Ambry Variant Classification Scheme 2023. Collection method: clinical testing. Allele origin: germline.